The following is an entry in ClinVar:

ClinVar aggregate classification (germline): Benign/Likely benign. Review status: criteria provided, multiple submitters, no conflicts (2 of 4 stars). 4 submissions from 4 submitters: Benign (2); Likely benign (2). Last evaluated 2025-12-25.

Allele frequency attached by ClinVar (database versions not stated): gnomAD exomes 0.00009 and 0.00022; ExAC 0.00030; ESP Exome Variant Server 0.00076; gnomAD 0.00093 and 0.00096; TOPMed 0.00093; 1000 Genomes Project 0.00159; 1000 Genomes Project 30x 0.00187.
gnomAD v4.1: 208 of 1,202,928 alleles (0.017%); highest among the groups gnomAD compares: African/African-American, 0.32%; no homozygotes.

Submissions (4):

Labcorp Genetics (formerly Invitae), Labcorp
Classification: Benign. Last evaluated: 2025-12-25. Review status: criteria provided, single submitter. Criteria: Invitae Variant Classification Sherloc (09022015). Collection method: clinical testing. Allele origin: germline.

Blueprint Genetics
Classification: Likely benign. Last evaluated: 2022-07-14. Review status: criteria provided, single submitter. Criteria: ACMG Guidelines, 2015. Collection method: clinical testing. Allele origin: germline.

Genetic Services Laboratory, University of Chicago
Classification: Likely benign. Last evaluated: 2017-07-17. Review status: criteria provided, single submitter. Criteria: ACMG Guidelines, 2015. Collection method: clinical testing. Allele origin: germline. Affected: no.

GeneDx
Classification: Benign. Last evaluated: 2016-12-30. Review status: criteria provided, single submitter. Criteria: GeneDx Variant Classification (06012015). Collection method: clinical testing. Allele origin: germline. Affected: yes.
Comment: This variant is considered likely benign or benign based on one or more of the following criteria: it is a conservative change, it occurs at a poorly conserved position in the protein, it is predicted to be benign by multiple in silico algorithms, and/or has population frequency not consistent with disease.

NM_000032.5(ALAS2):c.1647T>C (p.Asp549=)

Gene: ALAS2 (5'-aminolevulinate synthase 2; minus strand). Cytogenetic location: Xp11.21.
Variant type: single nucleotide variant.
Coding change: c.1647T>C on transcript NM_000032.5 (MANE Select); coding-DNA position 1647, T replaced by C.
Protein change: p.Asp549=; no amino-acid change (aspartic acid 549 retained).
Molecular consequence: synonymous variant.
Genome position (GRCh38, 1-based): chrX:55,009,297, A>G on the plus strand (T>C on the coding strand, the complement: ALAS2 is on the minus strand). VCF-style: chrX-55009297-A-G. GRCh37 (hg19) VCF-style: chrX-55035730-A-G.
Other names: c.1536T>C, p.Asp512= (NM_001037967.4); c.1608T>C, p.Asp536= (NM_001037968.4); c.1647T>C, p.Asp549= (LRG_1163t1).
Identifiers: ClinVar variation 388258 (VCV000388258.10), dbSNP rs35075981, ClinGen allele CA10428242.